The following is an entry in ClinVar:

ClinVar aggregate classification (germline): Uncertain significance (1 of 4 stars; one submission).

Conditions:
Charcot-Marie-Tooth disease type 4A. Also called: Charcot-Marie-Tooth disease, demyelinating, autosomal recessive, type 4a. Identifiers: Orphanet 99948, MedGen C1859198, MONDO:0008961, OMIM 214400.

Submission:

Labcorp Genetics (formerly Invitae), Labcorp
Classification: Uncertain significance for Charcot-Marie-Tooth disease type 4A. Last evaluated: 2024-02-19. Review status: criteria provided, single submitter. Criteria: Invitae Variant Classification Sherloc (09022015). Collection method: clinical testing. Allele origin: germline.
Comment: This sequence change replaces arginine, which is basic and polar, with serine, which is neutral and polar, at codon 41 of the GDAP1 protein (p.Arg41Ser). This variant is not present in population databases (gnomAD no frequency). This missense change has been observed in individual(s) with autosomal recessive Charcot-Marie-Tooth disease (PMID: 29372391). In at least one individual the data is consistent with being in trans (on the opposite chromosome) from a pathogenic variant. An algorithm developed to predict the effect of missense changes on protein structure and function (PolyPhen-2) suggests that this variant is likely to be disruptive. Algorithms developed to predict the effect of sequence changes on RNA splicing suggest that this variant may disrupt the consensus splice site. In summary, the available evidence is currently insufficient to determine the role of this variant in disease. Therefore, it has been classified as a Variant of Uncertain Significance.

Literature cited by the submitters: PubMed 29372391.

NM_018972.4(GDAP1):c.121C>A (p.Arg41Ser)

Gene: GDAP1 (ganglioside induced differentiation associated protein 1; plus strand). Cytogenetic location: 8q21.11.
Variant type: single nucleotide variant.
Coding change: c.121C>A on transcript NM_018972.4 (MANE Select); coding-DNA position 121, C replaced by A.
Protein change: p.Arg41Ser; replaces arginine 41 with serine.
Molecular consequence: missense variant. On other transcripts: 5 prime UTR variant (1), intron variant (2).
Genome position (GRCh38, 1-based): chr8:74,351,277, C>A. VCF-style: chr8-74351277-C-A. GRCh37 (hg19) VCF-style: chr8-75263512-C-A.
Other names: c.-62C>A (NM_001362929.2); c.121C>A, p.Arg41Ser (NM_001362930.2, NM_001362931.2); c.-18+699C>A (NM_001362932.2); c.-63-21C>A (NM_001040875.4); short protein forms R41S.
Identifiers: ClinVar variation 3641961 (VCV003641961.2).
Genomic context (GRCh38, chr8:74,351,277, plus strand): 5'-GAAGTCATTTAATTGAAAGCTTACATGTGTTGTAGTAACCAGTGTGAACTCTTCCAGGTG[C>A]GCTTGGTAATTGCTGAAAAGGCATTGAAGTGCGAGGAACATGATGTAAGTCTGCCCTTGA-3'
Protein context (NP_061845.2, residues 31-51): WTHSFSSQKV[Arg41Ser]LVIAEKALKC